The following is an entry in ClinVar:

ClinVar aggregate classification (germline): Uncertain significance (0 of 4 stars; one submission).

Conditions:
C4BPA-related disorder. Also called: C4BPA-related condition.

Submission:

PreventionGenetics, part of Exact Sciences
Classification: Uncertain significance for C4BPA-related condition. Last evaluated: 2024-08-09. Review status: no assertion criteria provided. Collection method: clinical testing. Allele origin: germline.
Comment: The C4BPA c.372dupA variant is predicted to result in a frameshift and premature protein termination (p.Glu125Argfs*3). To our knowledge, this variant has not been reported in the literature or in a large population database, indicating this variant is rare. Loss-of-function has not been established as a mechanism of C4BPA-related conditions. At this time, the clinical significance of this variant is uncertain due to the absence of conclusive functional and genetic evidence.

NM_000715.4(C4BPA):c.372dup (p.Glu125fs)

Gene: C4BPA (complement component 4 binding protein alpha; plus strand). Cytogenetic location: 1q32.2.
Variant type: Duplication.
Coding change: c.372dup on transcript NM_000715.4 (MANE Select); coding-DNA position 372, one base duplicated (A; older notation c.372dupA).
Protein change: p.Glu125fs; shifts the reading frame from glutamic acid 125.
Molecular consequence: frameshift variant.
Genome position (GRCh38, 1-based): chr1:207,115,459, A duplicated. VCF-style (leftmost placement, unchanged base first): chr1-207115458-T-TA. GRCh37 (hg19) VCF-style: chr1-207288803-T-TA.
Other names: short protein forms E125fs.
Identifiers: ClinVar variation 3347684 (VCV003347684.1).